The following is an entry in ClinVar:

ClinVar aggregate classification (germline): Pathogenic (1 of 4 stars; one submission).

Conditions:
Neurofibromatosis, type 1 (NF1). Also called: Peripheral type neurofibromatosis; Neurofibromatosis, type I; VON RECKLINGHAUSEN DISEASE; NEUROFIBROMATOSIS, TYPE I, SOMATIC. Identifiers: Orphanet 636, MedGen C0027831, MONDO:0018975, OMIM 162200. Disease mechanism: loss of function.

Submission:

Labcorp Genetics (formerly Invitae), Labcorp
Classification: Pathogenic for Neurofibromatosis, type 1. Last evaluated: 2018-01-11. Review status: criteria provided, single submitter. Criteria: Invitae Variant Classification Sherloc (09022015). Collection method: clinical testing. Allele origin: germline.
Comment: This variant is not present in population databases (ExAC no frequency). For these reasons, this variant has been classified as Pathogenic. Loss-of-function variants in NF1 are known to be pathogenic (PMID: 10712197, 23913538). This variant has not been reported in the literature in individuals with NF1-related disease. This sequence change creates a premature translational stop signal (p.Glu716Aspfs*9) in the NF1 gene. It is expected to result in an absent or disrupted protein product.

Literature cited by the submitters: PubMed 10712197; PubMed 23913538.

NM_001042492.3(NF1):c.2148_2159delinsTGAAGTGTCT (p.Glu716fs)

Gene: NF1 (neurofibromin 1; plus strand). Cytogenetic location: 17q11.2.
Variant type: Indel.
Coding change: c.2148_2159delinsTGAAGTGTCT on transcript NM_001042492.3 (MANE Select); coding-DNA positions 2148 to 2159, AGCAGATATCCG replaced by TGAAGTGTCT.
Protein change: p.Glu716fs; shifts the reading frame from glutamic acid 716.
Molecular consequence: frameshift variant.
Genome position (GRCh38, 1-based): chr17:31,226,581-31,226,592, AGCAGATATCCG replaced by TGAAGTGTCT. VCF-style: chr17-31226581-AGCAGATATCCG-TGAAGTGTCT. GRCh37 (hg19) VCF-style: chr17-29553599-AGCAGATATCCG-TGAAGTGTCT.
Other names: c.2148_2159delAGCAGATATCCGinsTGAAGTGTCT, p.Glu716Aspfs (NM_000267.4); short protein forms E716fs.
Identifiers: ClinVar variation 575987 (VCV000575987.5), dbSNP rs1567847538, ClinGen allele CA891844363.